The following is an entry in ClinVar:

NM_000075.4(CDK4):c.631A>C (p.Lys211Gln)

Gene: CDK4 (cyclin dependent kinase 4; minus strand). Cytogenetic location: 12q14.1.
Variant type: single nucleotide variant.
Coding change: c.631A>C on transcript NM_000075.4 (MANE Select); coding-DNA position 631, A replaced by C.
Protein change: p.Lys211Gln; replaces lysine 211 with glutamine.
Molecular consequence: missense variant.
Genome position (GRCh38, 1-based): chr12:57,750,657, T>G on the plus strand (A>C on the coding strand, the complement: CDK4 is on the minus strand). VCF-style: chr12-57750657-T-G. GRCh37 (hg19) VCF-style: chr12-58144440-T-G.
Other names: short protein forms K211Q.
Identifiers: ClinVar variation 2711508 (VCV002711508.3), dbSNP rs2540900247, ClinGen allele CA385545518.
Genomic context (GRCh38, chr12:57,750,657, plus strand): 5'-GGTTTATGAACAAGCGATTTGGGGAATTCAAGGTAGTCCAGGGTATGTGGGTCCCATACT[T>G]TCGACGAAACATCTCTGCAAAGATACAGCCAACACTCCACATGTCCACAGGTGTTGCATA-3'
Protein context (NP_000066.1, residues 201-221): GCIFAEMFRR[Lys211Gln]PLFCGNSEAD

ClinVar aggregate classification (germline): Uncertain significance (1 of 4 stars; one submission).

Conditions:
Familial melanoma. Also called: Hereditary melanoma; Hereditary cutaneous melanoma. Identifiers: Orphanet 618, MedGen C1512419, MONDO:0018961.

Submission:

Labcorp Genetics (formerly Invitae), Labcorp
Classification: Uncertain significance for Familial melanoma. Last evaluated: 2024-01-25. Review status: criteria provided, single submitter. Criteria: Invitae Variant Classification Sherloc (09022015). Collection method: clinical testing. Allele origin: germline.
Comment: This sequence change replaces lysine, which is basic and polar, with glutamine, which is neutral and polar, at codon 211 of the CDK4 protein (p.Lys211Gln). This variant is not present in population databases (gnomAD no frequency). This variant has not been reported in the literature in individuals affected with CDK4-related conditions. An algorithm developed to predict the effect of missense changes on protein structure and function (PolyPhen-2) suggests that this variant is likely to be tolerated. Algorithms developed to predict the effect of sequence changes on RNA splicing suggest that this variant may disrupt the consensus splice site. In summary, the available evidence is currently insufficient to determine the role of this variant in disease. Therefore, it has been classified as a Variant of Uncertain Significance.